The following is an entry in ClinVar:

ClinVar aggregate classification (germline): Uncertain significance (1 of 4 stars; one submission).

Allele frequency attached by ClinVar (database versions not stated): gnomAD exomes below 0.00001.
gnomAD v4.1: 2 of 1,614,156 alleles (0.00012%); highest among the groups gnomAD compares: Non-Finnish European, 0.000085%; no homozygotes.

Submission:

Ambry Genetics
Classification: Uncertain significance. Last evaluated: 2021-10-07. Review status: criteria provided, single submitter. Criteria: Ambry Variant Classification Scheme 2023. Collection method: clinical testing. Allele origin: germline.
Comment: The p.K1730N variant (also known as c.5190A>C), located in coding exon 4 of the ALPK2 gene, results from an A to C substitution at nucleotide position 5190. The lysine at codon 1730 is replaced by asparagine, an amino acid with similar properties. This amino acid position is conserved. In addition, this alteration is predicted to be tolerated by in silico analysis. Since supporting evidence is limited at this time, the clinical significance of this alteration remains unclear.

NM_052947.4(ALPK2):c.5190A>C (p.Lys1730Asn)

Genes: ALPK2 (alpha kinase 2; minus strand), LOC130062577 (ATAC-STARR-seq lymphoblastoid active region 13389; plus strand). Cytogenetic location: 18q21.31.
Variant type: single nucleotide variant.
Coding change: c.5190A>C on transcript NM_052947.4 (MANE Select); coding-DNA position 5190, A replaced by C.
Protein change: p.Lys1730Asn; replaces lysine 1730 with asparagine.
Molecular consequence: missense variant.
Genome position (GRCh38, 1-based): chr18:58,534,997, T>G on the plus strand (A>C on the coding strand, the complement: ALPK2 is on the minus strand). VCF-style: chr18-58534997-T-G. GRCh37 (hg19) VCF-style: chr18-56202229-T-G.
Other names: short protein forms K1730N.
Identifiers: ClinVar variation 1745911 (VCV001745911.2), dbSNP rs2518873313, ClinGen allele CA402557631.
Genomic context (GRCh38, chr18:58,534,997, plus strand): 5'-CTTTCTGATATTTTCCTTTTCTTCCAGTTTCAGCCTCAGTGCTGCCACCCTGGACAAAAT[T>G]TTCTTCTTTACTCCCTCAGCTAAATGTCCACTGCCTGGGGCTTCTGGCTTCCTCTTGACC-3'
Protein context (NP_443179.3, residues 1720-1740): SGHLAEGVKK[Lys1730Asn]ILSRVAALRL